The following is an entry in ClinVar:

NM_078480.3(PUF60):c.1453GAG[1] (p.Glu486del)

Gene: PUF60 (poly(U) binding splicing factor 60; minus strand). Cytogenetic location: 8q24.3.
Variant type: Microsatellite.
Coding change: c.1453GAG[1] on transcript NM_078480.3 (MANE Select); one copy of the 3-base unit GAG starting at c.1453; the reference has two copies in a row; one copy, 3 bases deleted.
Protein change: p.Glu486del; deletes glutamic acid 486.
Molecular consequence: inframe deletion.
Genome position (GRCh38, 1-based): chr8:143,816,742-143,816,744, CTC deleted on the plus strand (GAG on the coding strand, the reverse complement: PUF60 is on the minus strand); deleting any 3 consecutive bases within chr8:143,816,742-143,816,747 gives the same sequence; the position shown is the placement nearest the transcript's 3' end. VCF-style (leftmost placement, unchanged base first): chr8-143816741-ACTC-A. GRCh37 (hg19) VCF-style: chr8-144898911-ACTC-A.
Other names: c.1402GAG[1], p.Glu469del (NM_014281.5); c.1324GAG[1], p.Glu443del (NM_001136033.3); c.1399GAG[1], p.Glu468del (NM_001271096.2); c.1315GAG[1], p.Glu440del (NM_001271097.2); c.1450GAG[1], p.Glu485del (NM_001271098.2); c.1366GAG[1], p.Glu457del (NM_001271099.2); c.1273GAG[1], p.Glu426del (NM_001271100.2); c.1564GAG[1], p.Glu523del (NM_001362895.2, NM_001362896.2); and 1 more; short protein forms E485del, E506del, E523del, E457del, E469del, E440del, E443del, E468del.
Identifiers: ClinVar variation 3149777 (VCV003149777.6), dbSNP rs2538843379, ClinGen allele CA2825001582.

ClinVar aggregate classification (germline): Likely pathogenic. Review status: criteria provided, multiple submitters, no conflicts (2 of 4 stars). 2 submissions from 2 submitters: Likely pathogenic (2). Last evaluated 2026-07-20.

Conditions:
Inborn genetic diseases. Identifiers: MedGen C0950123, MeSH D030342.

Submissions (2):

Ambry Genetics
Classification: Likely pathogenic for Inborn genetic diseases. Last evaluated: 2026-07-20. Review status: criteria provided, single submitter. Criteria: Ambry Variant Classification Scheme 2023. Collection method: clinical testing. Allele origin: germline.
Comment: The c.1456_1458delGAG (p.E486del) alteration, located in coding exon 12 of the PUF60 gene, results from an in-frame deletion of 3 nucleotides at positions c.1456 to c.1458. This results in the deletion of a glutamate residue at codon 486. This variant was not reported in population-based cohorts in the Genome Aggregation Database (gnomAD). This variant was determined to be de novo in at least one individual with features consistent with Verheij syndrome (external communication). This amino acid position is highly conserved in available vertebrate species. This alteration is predicted to be deleterious by in silico analysis (Choi, 2012). Based on the available evidence, this alteration is classified as likely pathogenic.

CeGaT Center for Human Genetics Tuebingen
Classification: Likely pathogenic. Last evaluated: 2026-01-01. Review status: criteria provided, single submitter. Criteria: CeGaT Center For Human Genetics Tuebingen Variant Classification Criteria Version 2. Collection method: clinical testing. Allele origin: germline. Affected: yes. Observed: 1 variant allele.
Comment: PUF60: PM1, PM2, PS2:Moderate, PM4:Supporting

Literature cited by the submitters: PubMed 33057194 (cited by Ambry Genetics).